The following is an entry in ClinVar:

ClinVar aggregate classification (germline): Pathogenic. Review status: criteria provided, single submitter (1 of 4 stars). 3 submissions from 3 submitters: Pathogenic (1). 2 of the submissions do not count toward it. Last evaluated 2022-02-24.

Conditions:
Leukodystrophy, hypomyelinating, 8, with or without oligodontia and/or hypogonadotropic hypogonadism. Also called: LEUKODYSTROPHY, HYPOMYELINATING, 8, WITH HYPODONTIA AND HYPOGONADOTROPIC HYPOGONADISM; Endosteal sclerosis-cerebellar hypoplasia syndrome; Hypomyelinating leukodystrophy 8 with or without oligodontia and-or hypogonadotropic hypogonadism. Identifiers: Orphanet 85186, Orphanet 88637, MedGen C3280644, MONDO:0013722, OMIM 614381.

Submissions (3):

Broad Center for Mendelian Genomics, Broad Institute of MIT and Harvard
Classification: Pathogenic for Leukodystrophy, hypomyelinating, 8, with or without oligodontia and/or hypogonadotropic hypogonadism. Last evaluated: 2022-02-24. Review status: criteria provided, single submitter. Criteria: ACMG Guidelines, 2015. Collection method: curation. Allele origin: germline. Inheritance: Autosomal recessive inheritance.
Comment: The p.Ile511fs variant in POLR3B has been reported in 1 individual in the compound heterozygous state with 4H leukodystrophy (PMID: 22036172) and has been identified in 0.002% (2/113510) of European (non-Finnish) chromosomes by the Genome Aggregation Database (gnomAD; dbSNP ID: rs1006308316). Although this variant has been seen in the general population in a heterozygous state, its frequency is low enough to be consistent with a recessive carrier frequency. This variant has also been reported in ClinVar (Variation ID#: 31165) and has been interpreted as pathogenic by OMIM and GeneReviews. This variant is predicted to cause a frameshift, which alters the protein‚Äôs amino acid sequence beginning at position 511 and leads to a premature termination codon 4 amino acids downstream. This alteration is then predicted to lead to a truncated or absent protein. Loss of function of the POLR3B gene is an established disease mechanism in autosomal recessive 4H leukodystrophy. In summary, this variant meets criteria to be classified as pathogenic for autosomal recessive 4H leukodystrophy. ACMG/AMP Criteria applied: PVS1, PM2_supporting, PM3 (Richards 2015).

OMIM
Classification: Pathogenic for LEUKODYSTROPHY, HYPOMYELINATING, 8, WITH HYPODONTIA AND HYPOGONADOTROPIC HYPOGONADISM. Last evaluated: 2011-11-11. Review status: no assertion criteria provided. Collection method: literature only. Allele origin: germline. Not counted in ClinVar's aggregate classification.

GeneReviews
No classification provided. Condition: Leukodystrophy, hypomyelinating, 8, with or without oligodontia and/or hypogonadotropic hypogonadism. Review status: no classification provided. Collection method: literature only. Allele origin: germline. Not counted in ClinVar's aggregate classification.

Literature cited by the submitters: PubMed 22036172 (cited by OMIM and GeneReviews); PubMed 25339210 (cited by GeneReviews); PubMed 22855961 (cited by GeneReviews).

NM_018082.6(POLR3B):c.1533del (p.Ile511fs)

Gene: POLR3B (RNA polymerase III subunit B; plus strand). Cytogenetic location: 12q23.3.
Variant type: Deletion.
Coding change: c.1533del on transcript NM_018082.6 (MANE Select); coding-DNA position 1533, one base deleted (T; older notation c.1533delT).
Protein change: p.Ile511fs; shifts the reading frame from isoleucine 511.
Molecular consequence: frameshift variant.
Genome position (GRCh38, 1-based): chr12:106,432,386, T deleted; the last of 2 consecutive T bases (chr12:106,432,385-106,432,386); deleting either gives the same sequence. VCF-style (leftmost placement, unchanged base first): chr12-106432384-AT-A. GRCh37 (hg19) VCF-style: chr12-106826162-AT-A.
Other names: NM_018082.6(POLR3B):c.1533del; p.Ile511fs; c.1359del, p.Ile453fs (NM_001160708.2); short protein forms I453fs, I511fs.
Identifiers: ClinVar variation 31165 (VCV000031165.5), dbSNP rs267608684, ClinGen allele CA342790.